The following is an entry in ClinVar:

NM_182746.3(MCM4):c.1199G>A (p.Arg400Gln)

Gene: MCM4 (minichromosome maintenance complex component 4; plus strand). Cytogenetic location: 8q11.21.
Variant type: single nucleotide variant.
Coding change: c.1199G>A on transcript NM_182746.3 (MANE Select); coding-DNA position 1199, G replaced by A.
Protein change: p.Arg400Gln; replaces arginine 400 with glutamine.
Molecular consequence: missense variant.
Genome position (GRCh38, 1-based): chr8:47,969,822, G>A. VCF-style: chr8-47969822-G-A. GRCh37 (hg19) VCF-style: chr8-48882382-G-A.
Other names: c.1199G>A, p.Arg400Gln (NM_005914.4); c.1199G>A (NM_005914.3); short protein forms R400Q.
Identifiers: ClinVar variation 1345173 (VCV001345173.8), dbSNP rs758663521, ClinGen allele CA4742564.

ClinVar aggregate classification (germline): Uncertain significance. Review status: criteria provided, multiple submitters, no conflicts (2 of 4 stars). 2 submissions from 2 submitters: Uncertain significance (2). Last evaluated 2025-01-08.

Allele frequency attached by ClinVar (database versions not stated): gnomAD exomes 0.00004 and 0.00014; ExAC 0.00005; TOPMed 0.00006; gnomAD 0.00008 and 0.00009.
gnomAD v4.1: 229 of 1,614,116 alleles (0.014%); highest among the groups gnomAD compares: Non-Finnish European, 0.018%; no homozygotes.

Submissions (2):

Ambry Genetics
Classification: Uncertain significance. Last evaluated: 2025-01-08. Review status: criteria provided, single submitter. Criteria: Ambry Variant Classification Scheme 2023. Collection method: clinical testing. Allele origin: germline.

Labcorp Genetics (formerly Invitae), Labcorp
Classification: Uncertain significance. Last evaluated: 2024-10-17. Review status: criteria provided, single submitter. Criteria: Invitae Variant Classification Sherloc (09022015). Collection method: clinical testing. Allele origin: germline.
Comment: This sequence change replaces arginine, which is basic and polar, with glutamine, which is neutral and polar, at codon 400 of the MCM4 protein (p.Arg400Gln). This variant is present in population databases (rs758663521, gnomAD 0.009%). This variant has not been reported in the literature in individuals affected with MCM4-related conditions. ClinVar contains an entry for this variant (Variation ID: 1345173). Invitae Evidence Modeling of protein sequence and biophysical properties (such as structural, functional, and spatial information, amino acid conservation, physicochemical variation, residue mobility, and thermodynamic stability) indicates that this missense variant is not expected to disrupt MCM4 protein function with a negative predictive value of 80%. In summary, the available evidence is currently insufficient to determine the role of this variant in disease. Therefore, it has been classified as a Variant of Uncertain Significance.